The following is an entry in ClinVar:

ClinVar aggregate classification (germline): Likely pathogenic (1 of 4 stars; one submission).

Submission:

Labcorp Genetics (formerly Invitae), Labcorp
Classification: Likely pathogenic. Last evaluated: 2023-11-24. Review status: criteria provided, single submitter. Criteria: Invitae Variant Classification Sherloc (09022015). Collection method: clinical testing. Allele origin: germline.
Comment: This sequence change replaces glycine, which is neutral and non-polar, with valine, which is neutral and non-polar, at codon 303 of the COL2A1 protein (p.Gly303Val). This variant is not present in population databases (gnomAD no frequency). This variant has not been reported in the literature in individuals affected with COL2A1-related conditions. Advanced modeling of protein sequence and biophysical properties (such as structural, functional, and spatial information, amino acid conservation, physicochemical variation, residue mobility, and thermodynamic stability) performed at Invitae indicates that this missense variant is expected to disrupt COL2A1 protein function with a positive predictive value of 95%. This variant disrupts the triple helix domain of COL2A1. Glycine residues within the Gly-Xaa-Yaa repeats of the triple helix domain are required for the structure and stability of fibrillar collagens (PMID: 7695699, 8218237, 19344236). In COL2A1, variants affecting these glycine residues are significantly enriched in individuals with disease (PMID: 9016532, 17078022) compared to the general population (ExAC). In summary, the currently available evidence indicates that the variant is pathogenic, but additional data are needed to prove that conclusively. Therefore, this variant has been classified as Likely Pathogenic.

Literature cited by the submitters: PubMed 7695699; PubMed 8218237; PubMed 19344236; PubMed 9016532; PubMed 17078022.

NM_001844.5(COL2A1):c.908G>T (p.Gly303Val)

Gene: COL2A1 (collagen type II alpha 1 chain; minus strand). Cytogenetic location: 12q13.11.
Variant type: single nucleotide variant.
Coding change: c.908G>T on transcript NM_001844.5 (MANE Select); coding-DNA position 908, G replaced by T.
Protein change: p.Gly303Val; replaces glycine 303 with valine.
Molecular consequence: missense variant.
Genome position (GRCh38, 1-based): chr12:47,993,825, C>A on the plus strand (G>T on the coding strand, the complement: COL2A1 is on the minus strand). VCF-style: chr12-47993825-C-A. GRCh37 (hg19) VCF-style: chr12-48387608-C-A.
Other names: c.701G>T, p.Gly234Val (NM_033150.3); short protein forms G303V, G234V.
Identifiers: ClinVar variation 2753628 (VCV002753628.3), dbSNP rs121912877, ClinGen allele CA384521884.